The following is an entry in ClinVar:

NM_013275.6(ANKRD11):c.3423C>T (p.Ser1141=)

Gene: ANKRD11 (ankyrin repeat domain 11; minus strand). Cytogenetic location: 16q24.3.
Variant type: single nucleotide variant.
Coding change: c.3423C>T on transcript NM_013275.6 (MANE Select); coding-DNA position 3423, C replaced by T.
Protein change: p.Ser1141=; no amino-acid change (serine 1141 retained).
Molecular consequence: synonymous variant.
Genome position (GRCh38, 1-based): chr16:89,283,119, G>A on the plus strand (C>T on the coding strand, the complement: ANKRD11 is on the minus strand). VCF-style: chr16-89283119-G-A. GRCh37 (hg19) VCF-style: chr16-89349527-G-A.
Other names: c.3423C>T, p.Ser1141= (NM_001256182.2, NM_001256183.2); c.3423C>T (NM_013275.4).
Identifiers: ClinVar variation 778772 (VCV000778772.42), dbSNP rs142005632, ClinGen allele CA8242369.

ClinVar aggregate classification (germline): Benign/Likely benign. Review status: criteria provided, multiple submitters, no conflicts (2 of 4 stars). 7 submissions from 7 submitters: Benign (2); Likely benign (5). Last evaluated 2025-12-02.

Conditions:
KBG syndrome (KBGS). Also called: ANKRD11-Related KBG Syndrome. Identifiers: Orphanet 2332, MedGen C0220687, MONDO:0007846, OMIM 148050.
Inborn genetic diseases. Identifiers: MedGen C0950123, MeSH D030342.

Allele frequency attached by ClinVar (database versions not stated): TOPMed 0.00020; gnomAD 0.00023 and 0.00017; ESP Exome Variant Server 0.00031; gnomAD exomes 0.00037 and 0.00043; 1000 Genomes Project 0.00040; ExAC 0.00045; 1000 Genomes Project 30x 0.00047.
gnomAD v4.1: 665 of 1,613,748 alleles (0.041%); highest among the groups gnomAD compares: Middle Eastern, 0.23%; 2 homozygotes.

Submissions (7):

Labcorp Genetics (formerly Invitae), Labcorp
Classification: Benign for KBG syndrome. Last evaluated: 2025-12-02. Review status: criteria provided, single submitter. Criteria: Invitae Variant Classification Sherloc (09022015). Collection method: clinical testing. Allele origin: germline.

CeGaT Center for Human Genetics Tuebingen
Classification: Likely benign. Last evaluated: 2025-11-01. Review status: criteria provided, single submitter. Criteria: CeGaT Center For Human Genetics Tuebingen Variant Classification Criteria Version 2. Collection method: clinical testing. Allele origin: germline. Affected: yes. Observed: 5 variant alleles.
Comment: ANKRD11: BP4, BP7

Blueprint Genetics
Classification: Likely benign. Last evaluated: 2024-10-24. Review status: criteria provided, single submitter. Criteria: ACMG Guidelines, 2015. Collection method: clinical testing. Allele origin: germline.

Genome-Nilou Lab
Classification: Benign for KBG syndrome. Last evaluated: 2021-12-05. Review status: criteria provided, single submitter. Criteria: ACMG Guidelines, 2015. Collection method: clinical testing. Allele origin: germline. Affected: no.

GeneDx
Classification: Likely benign. Last evaluated: 2020-11-24. Review status: criteria provided, single submitter. Criteria: GeneDx Variant Classification Process June 2021. Collection method: clinical testing. Allele origin: germline. Affected: yes.

Ambry Genetics
Classification: Likely benign for Inborn genetic diseases. Last evaluated: 2017-09-05. Review status: criteria provided, single submitter. Criteria: Ambry Variant Classification Scheme 2023. Collection method: clinical testing. Allele origin: germline.

Breakthrough Genomics
Classification: Likely benign. Review status: criteria provided, single submitter. Criteria: ACMG Guidelines, 2015. Collection method: not provided. Allele origin: germline. Inheritance: Autosomal dominant inheritance. Affected: yes.